The following is an entry in ClinVar:

NM_001126121.2(SLC25A19):c.133-5C>T

Gene: SLC25A19 (solute carrier family 25 member 19; minus strand). Cytogenetic location: 17q25.1.
Variant type: single nucleotide variant.
Coding change: c.133-5C>T on transcript NM_001126121.2 (MANE Select); 5 bases into the intron before coding-DNA position 133, C replaced by T.
Molecular consequence: intron variant.
Genome position (GRCh38, 1-based): chr17:75,286,464, G>A on the plus strand (C>T on the coding strand, the complement: SLC25A19 is on the minus strand). VCF-style: chr17-75286464-G-A. GRCh37 (hg19) VCF-style: chr17-73282545-G-A.
Other names: c.133-5C>T (NM_001126122.2, NM_021734.5).
Identifiers: ClinVar variation 388659 (VCV000388659.5), dbSNP rs766865240, ClinGen allele CA16608649.

ClinVar aggregate classification (germline): Likely benign. Review status: criteria provided, multiple submitters, no conflicts (2 of 4 stars). 2 submissions from 2 submitters: Likely benign (2). Last evaluated 2023-01-09.

Allele frequency attached by ClinVar (database versions not stated): gnomAD exomes 0.00001; TOPMed 0.00001; gnomAD 0.00002.

Submissions (2):

Labcorp Genetics (formerly Invitae), Labcorp
Classification: Likely benign. Last evaluated: 2023-01-09. Review status: criteria provided, single submitter. Criteria: Invitae Variant Classification Sherloc (09022015). Collection method: clinical testing. Allele origin: germline.

GeneDx
Classification: Likely benign. Last evaluated: 2016-08-29. Review status: criteria provided, single submitter. Criteria: GeneDx Variant Classification (06012015). Collection method: clinical testing. Allele origin: germline. Affected: yes.
Comment: This variant is considered likely benign or benign based on one or more of the following criteria: it is a conservative change, it occurs at a poorly conserved position in the protein, it is predicted to be benign by multiple in silico algorithms, and/or has population frequency not consistent with disease.